The following is an entry in ClinVar:

ClinVar aggregate classification (germline): Uncertain significance (1 of 4 stars; one submission).

Conditions:
Aortic aneurysm, familial thoracic 4 (AAT4). Also called: AORTIC ANEURYSM/AORTIC DISSECTION AND PATENT DUCTUS ARTERIOSUS. Identifiers: MedGen C1851504, MONDO:0007568, OMIM 132900.

Submission:

Labcorp Genetics (formerly Invitae), Labcorp
Classification: Uncertain significance for Aortic aneurysm, familial thoracic 4. Last evaluated: 2025-12-02. Review status: criteria provided, single submitter. Criteria: Invitae Variant Classification Sherloc (09022015). Collection method: clinical testing. Allele origin: germline.
Comment: This sequence change replaces lysine, which is basic and polar, with threonine, which is neutral and polar, at codon 980 of the MYH11 protein (p.Lys980Thr). This variant is not present in population databases (gnomAD no frequency). This variant has not been reported in the literature in individuals affected with MYH11-related conditions. Invitae Evidence Modeling of protein sequence and biophysical properties (such as structural, functional, and spatial information, amino acid conservation, physicochemical variation, residue mobility, and thermodynamic stability) indicates that this missense variant is not expected to disrupt MYH11 protein function with a negative predictive value of 95%. In summary, the available evidence is currently insufficient to determine the role of this variant in disease. Therefore, it has been classified as a Variant of Uncertain Significance.

NM_002474.3(MYH11):c.2918A>C (p.Lys973Thr)

Gene: MYH11 (myosin heavy chain 11; minus strand). Cytogenetic location: 16p13.11.
Variant type: single nucleotide variant.
Coding change: c.2918A>C on transcript NM_002474.3 (MANE Select); coding-DNA position 2918, A replaced by C.
Protein change: p.Lys973Thr; replaces lysine 973 with threonine.
Molecular consequence: missense variant.
Genome position (GRCh38, 1-based): chr16:15,740,130, T>G on the plus strand (A>C on the coding strand, the complement: MYH11 is on the minus strand). VCF-style: chr16-15740130-T-G. GRCh37 (hg19) VCF-style: chr16-15833987-T-G.
Other names: c.2939A>C, p.Lys980Thr (NM_001040113.2, NM_001040114.2); c.2918A>C, p.Lys973Thr (NM_022844.3); short protein forms K973T, K980T.
Identifiers: ClinVar variation 4739996 (VCV004739996.1).